The following is an entry in ClinVar:

ClinVar aggregate classification (germline): Benign. Review status: criteria provided, multiple submitters, no conflicts (2 of 4 stars). 4 submissions from 4 submitters: Benign (3). 1 of the submissions does not count toward it. Last evaluated 2026-02-02.

Conditions:
IL2RB-related disorder. Also called: IL2RB-related condition.

Allele frequency attached by ClinVar (database versions not stated): ExAC 0.00688; gnomAD 0.02122 and 0.02278; 1000 Genomes Project 0.02137; 1000 Genomes Project 30x 0.02249; TOPMed 0.02408; ESP Exome Variant Server 0.02568; gnomAD exomes 0.00210 and 0.00568.
gnomAD v4.1: 6,473 of 1,614,144 alleles (0.4%); highest among the groups gnomAD compares: African/African-American, 7.2%; 208 homozygotes.

Submissions (4):

Labcorp Genetics (formerly Invitae), Labcorp
Classification: Benign. Last evaluated: 2026-02-02. Review status: criteria provided, single submitter. Criteria: Invitae Variant Classification Sherloc (09022015). Collection method: clinical testing. Allele origin: germline.

Mayo Clinic Laboratories, Mayo Clinic
Classification: Benign. Last evaluated: 2022-09-06. Review status: criteria provided, single submitter. Criteria: ACMG Guidelines, 2015. Collection method: clinical testing. Allele origin: germline. Observed: 6 variant alleles.

Breakthrough Genomics
Classification: Benign. Review status: criteria provided, single submitter. Criteria: ACMG Guidelines, 2015. Collection method: not provided. Allele origin: germline. Inheritance: Autosomal recessive inheritance. Affected: yes.

PreventionGenetics, part of Exact Sciences
Classification: Benign for IL2RB-related condition. Last evaluated: 2019-12-05. Review status: no assertion criteria provided. Collection method: clinical testing. Allele origin: germline. Not counted in ClinVar's aggregate classification.
Comment: This variant is classified as benign based on ACMG/AMP sequence variant interpretation guidelines (Richards et al. 2015 PMID: 25741868, with internal and published modifications).

NM_000878.5(IL2RB):c.248C>T (p.Ser83Phe)

Gene: IL2RB (interleukin 2 receptor subunit beta; minus strand). Cytogenetic location: 22q12.3.
Variant type: single nucleotide variant.
Coding change: c.248C>T on transcript NM_000878.5 (MANE Select); coding-DNA position 248, C replaced by T.
Protein change: p.Ser83Phe; replaces serine 83 with phenylalanine.
Molecular consequence: missense variant.
Genome position (GRCh38, 1-based): chr22:37,142,468, G>A on the plus strand (C>T on the coding strand, the complement: IL2RB is on the minus strand). VCF-style: chr22-37142468-G-A. GRCh37 (hg19) VCF-style: chr22-37538508-G-A.
Other names: p.Ser83Phe; c.248C>T, p.Ser83Phe (NM_001346222.1, NM_001346223.2); c.248C>T (NM_000878.4); short protein forms S83F.
Identifiers: ClinVar variation 781528 (VCV000781528.15), dbSNP rs2228143, ClinGen allele CA10216683.